The following is an entry in ClinVar:

NM_018646.6(TRPV6):c.1439T>C (p.Met480Thr)

Gene: TRPV6 (transient receptor potential cation channel subfamily V member 6; minus strand). Cytogenetic location: 7q34.
Variant type: single nucleotide variant.
Coding change: c.1439T>C on transcript NM_018646.6 (MANE Select); coding-DNA position 1439, T replaced by C.
Protein change: p.Met480Thr; replaces methionine 480 with threonine.
Molecular consequence: missense variant.
Genome position (GRCh38, 1-based): chr7:142,874,624, A>G on the plus strand (T>C on the coding strand, the complement: TRPV6 is on the minus strand). VCF-style: chr7-142874624-A-G. GRCh37 (hg19) VCF-style: chr7-142572377-A-G.
Other names: short protein forms M480T.
Identifiers: ClinVar variation 4703690 (VCV004703690.1).

ClinVar aggregate classification (germline): Uncertain significance (1 of 4 stars; one submission).

Submission:

Labcorp Genetics (formerly Invitae), Labcorp
Classification: Uncertain significance. Last evaluated: 2025-09-25. Review status: criteria provided, single submitter. Criteria: Invitae Variant Classification Sherloc (09022015). Collection method: clinical testing. Allele origin: germline.
Comment: This sequence change replaces methionine, which is neutral and non-polar, with threonine, which is neutral and polar, at codon 480 of the TRPV6 protein (p.Met480Thr). This variant is not present in population databases (gnomAD no frequency). This variant has not been reported in the literature in individuals affected with TRPV6-related conditions. Experimental studies and prediction algorithms are not available or were not evaluated, and the functional significance of this variant is currently unknown. In summary, the available evidence is currently insufficient to determine the role of this variant in disease. Therefore, it has been classified as a Variant of Uncertain Significance.